The following is an entry in ClinVar:

NM_006648.4(WNK2):c.1994G>A (p.Ser665Asn)

Gene: WNK2 (WNK lysine deficient protein kinase 2; plus strand). Cytogenetic location: 9q22.31.
Variant type: single nucleotide variant.
Coding change: c.1994G>A on transcript NM_006648.4 (MANE Select); coding-DNA position 1994, G replaced by A.
Protein change: p.Ser665Asn; replaces serine 665 with asparagine.
Molecular consequence: missense variant.
Genome position (GRCh38, 1-based): chr9:93,253,042, G>A. VCF-style: chr9-93253042-G-A. GRCh37 (hg19) VCF-style: chr9-96015324-G-A.
Other names: c.1994G>A, p.Ser665Asn (NM_001282394.3); short protein forms S665N.
Identifiers: ClinVar variation 3982011 (VCV003982011.1).

ClinVar aggregate classification (germline): Uncertain significance (1 of 4 stars; one submission).

Submission:

Ambry Genetics
Classification: Uncertain significance. Last evaluated: 2025-05-08. Review status: criteria provided, single submitter. Criteria: Ambry Variant Classification Scheme 2023. Collection method: clinical testing. Allele origin: germline.
Comment: The p.S665N variant (also known as c.1994G>A), located in coding exon 8 of the WNK2 gene, results from a G to A substitution at nucleotide position 1994. The serine at codon 665 is replaced by asparagine, an amino acid with highly similar properties. This amino acid position is conserved. In addition, this alteration is predicted to be tolerated by in silico analysis. Based on the available evidence, the clinical significance of this variant remains unclear.